The following is an entry in ClinVar:

ClinVar aggregate classification (germline): Uncertain significance. Review status: criteria provided, multiple submitters, no conflicts (2 of 4 stars). 2 submissions from 2 submitters: Uncertain significance (2). Last evaluated 2025-11-11.

Conditions:
Inborn genetic diseases. Identifiers: MedGen C0950123, MeSH D030342.
Vici syndrome (VICIS). Identifiers: Orphanet 1493, MedGen C1855772, MONDO:0009452, OMIM 242840.

gnomAD v4.1: 80 of 1,613,890 alleles (0.005%); highest among the groups gnomAD compares: South Asian, 0.022%; no homozygotes.

Submissions (2):

Ambry Genetics
Classification: Uncertain significance for Inborn genetic diseases. Last evaluated: 2025-11-11. Review status: criteria provided, single submitter. Criteria: Ambry Variant Classification Scheme 2023. Collection method: clinical testing. Allele origin: germline.

Labcorp Genetics (formerly Invitae), Labcorp
Classification: Uncertain significance for Vici syndrome. Last evaluated: 2024-11-15. Review status: criteria provided, single submitter. Criteria: Invitae Variant Classification Sherloc (09022015). Collection method: clinical testing. Allele origin: germline.
Comment: This sequence change replaces leucine, which is neutral and non-polar, with arginine, which is basic and polar, at codon 823 of the EPG5 protein (p.Leu823Arg). This variant is present in population databases (rs368314420, gnomAD 0.03%). This variant has not been reported in the literature in individuals affected with EPG5-related conditions. Invitae Evidence Modeling of protein sequence and biophysical properties (such as structural, functional, and spatial information, amino acid conservation, physicochemical variation, residue mobility, and thermodynamic stability) has been performed for this missense variant. However, the output from this modeling did not meet the statistical confidence thresholds required to predict the impact of this variant on EPG5 protein function. In summary, the available evidence is currently insufficient to determine the role of this variant in disease. Therefore, it has been classified as a Variant of Uncertain Significance.

NM_020964.3(EPG5):c.2468T>G (p.Leu823Arg)

Gene: EPG5 (ectopic P-granules 5 autophagy tethering factor; minus strand). Cytogenetic location: 18q21.1.
Variant type: single nucleotide variant.
Coding change: c.2468T>G on transcript NM_020964.3 (MANE Select); coding-DNA position 2468, T replaced by G.
Protein change: p.Leu823Arg; replaces leucine 823 with arginine.
Molecular consequence: missense variant.
Genome position (GRCh38, 1-based): chr18:45,928,954, A>C on the plus strand (T>G on the coding strand, the complement: EPG5 is on the minus strand). VCF-style: chr18-45928954-A-C. GRCh37 (hg19) VCF-style: chr18-43508920-A-C.
Other names: c.2468T>G (NM_020964.2); c.2468T>G, p.Leu823Arg (NM_001410858.1, NM_001410859.1); short protein forms L823R.
Identifiers: ClinVar variation 3711876 (VCV003711876.2).